The following is an entry in ClinVar:

ClinVar aggregate classification (germline): Likely benign (1 of 4 stars; one submission).

Submission:

CeGaT Center for Human Genetics Tuebingen
Classification: Likely benign. Last evaluated: 2024-03-01. Review status: criteria provided, single submitter. Criteria: CeGaT Center For Human Genetics Tuebingen Variant Classification Criteria Version 2. Collection method: clinical testing. Allele origin: germline. Affected: yes. Observed: 1 variant allele.
Comment: MUC19: BP4, BP7

NC_000012.12:g.40489900A>T

Gene: MUC19 (mucin 19, oligomeric (gene/pseudogene); plus strand). Cytogenetic location: 12q12.
Variant type: single nucleotide variant.
Genome position: GRCh38 VCF-style: chr12-40489900-A-T. GRCh37 (hg19) VCF-style: chr12-40883702-A-T.
Identifiers: ClinVar variation 3067314 (VCV003067314.21), dbSNP rs2498366710, ClinGen allele CA946834536.